The following is an entry in ClinVar:

NM_153700.2(STRC):c.2495G>A (p.Arg832Gln)

Gene: STRC (stereocilin; minus strand). Cytogenetic location: 15q15.3.
Variant type: single nucleotide variant.
Coding change: c.2495G>A on transcript NM_153700.2 (MANE Select); coding-DNA position 2495, G replaced by A.
Protein change: p.Arg832Gln; replaces arginine 832 with glutamine.
Molecular consequence: missense variant.
Genome position (GRCh38, 1-based): chr15:43,613,217, C>T on the plus strand (G>A on the coding strand, the complement: STRC is on the minus strand). VCF-style: chr15-43613217-C-T. GRCh37 (hg19) VCF-style: chr15-43905415-C-T.
Other names: short protein forms R832Q.
Identifiers: ClinVar variation 1120096 (VCV001120096.4), dbSNP rs1425015832, ClinGen allele CA392178575.

ClinVar aggregate classification (germline): Uncertain significance (1 of 4 stars; one submission).

Allele frequency attached by ClinVar (database versions not stated): gnomAD 0.00005; gnomAD exomes 0.00014.

Submission:

Laboratory for Molecular Medicine, Mass General Brigham Personalized Medicine
Classification: Uncertain significance. Last evaluated: 2020-09-10. Review status: criteria provided, single submitter. Criteria: LMM Criteria. Collection method: clinical testing. Allele origin: germline. Observed: 1 variant allele.
Comment: The p.Arg832Gln variant in STRC has not been previously reported in individuals with hearing loss but has been identified in 0.09% (4/4430) of Latino chromosomes by gnomAD. Computational prediction tools and conservation analysis suggest that this variant may impact the protein, though this information is not predictive enough to determine pathogenicity. In summary, the clinical significance of this variant is uncertain. ACMG/AMP Criteria applied: PM2_Supporting, PP3.